The following is an entry in ClinVar:

ClinVar aggregate classification (germline): Likely benign (1 of 4 stars; one submission).

Allele frequency attached by ClinVar (database versions not stated): ExAC 0.00005; 1000 Genomes Project 30x 0.00016; gnomAD exomes 0.00018; 1000 Genomes Project 0.00020; TOPMed 0.00020; gnomAD 0.00023.
gnomAD v4.1: 288 of 1,535,328 alleles (0.019%); highest among the groups gnomAD compares: Non-Finnish European, 0.023%; no homozygotes.

Submission:

CeGaT Center for Human Genetics Tuebingen
Classification: Likely benign. Last evaluated: 2023-02-01. Review status: criteria provided, single submitter. Criteria: CeGaT Center For Human Genetics Tuebingen Variant Classification Criteria Version 2. Collection method: clinical testing. Allele origin: germline. Affected: yes. Observed: 1 variant allele.
Comment: CATSPERT: BP4, BP7

NM_001168221.2(CATSPERT):c.3624C>A (p.Ile1208=)

Gene: CATSPERT (catsper channel auxiliary subunit tau; minus strand). Cytogenetic location: 2q33.1.
Variant type: single nucleotide variant.
Coding change: c.3624C>A on transcript NM_001168221.2 (MANE Select); coding-DNA position 3624, C replaced by A.
Protein change: p.Ile1208=; no amino-acid change (isoleucine 1208 retained).
Molecular consequence: synonymous variant. On other transcripts: intron variant (2).
Genome position (GRCh38, 1-based): chr2:201,492,717, G>T on the plus strand (C>A on the coding strand, the complement: CATSPERT is on the minus strand). VCF-style: chr2-201492717-G-T. GRCh37 (hg19) VCF-style: chr2-202357440-G-T.
Other names: c.*49+3178C>A (NM_001168216.2); c.1581+3178C>A (NM_152525.6).
Identifiers: ClinVar variation 2651819 (VCV002651819.24), dbSNP rs143243712, ClinGen allele CA2055594.